The following is an entry in ClinVar:

NM_001374736.1(DST):c.17034T>C (p.Asp5678=)

Gene: DST (dystonin; minus strand). Cytogenetic location: 6p12.1.
Variant type: single nucleotide variant.
Coding change: c.17034T>C on transcript NM_001374736.1 (MANE Select); coding-DNA position 17034, T replaced by C.
Protein change: p.Asp5678=; no amino-acid change (aspartic acid 5678 retained).
Molecular consequence: synonymous variant.
Genome position (GRCh38, 1-based): chr6:56,532,418, A>G on the plus strand (T>C on the coding strand, the complement: DST is on the minus strand). VCF-style: chr6-56532418-A-G. GRCh37 (hg19) VCF-style: chr6-56397216-A-G.
Other names: c.10677T>C, p.Asp3559= (NM_001144769.5); c.10263T>C, p.Asp3421= (NM_001144770.2); c.17034T>C, p.Asp5678= (NM_001374722.1); c.16401T>C, p.Asp5467= (NM_001374729.1); c.10143T>C, p.Asp3381= (NM_001374730.1, NM_001386100.1, NM_183380.4); c.17061T>C, p.Asp5687= (NM_001374734.1); c.9165T>C, p.Asp3055= (NM_015548.5).
Identifiers: ClinVar variation 4998801 (VCV004998801.1).

ClinVar aggregate classification (germline): Likely benign (1 of 4 stars; one submission).

Conditions:
DST-related disorder. Also called: DST-related condition; DST-related disorders.

gnomAD v4.1: 1 of 1,613,602 alleles (0.000062%); no homozygotes.

Submission:

PreventionGenetics, part of Exact Sciences
Classification: Likely benign for DST-related condition. Last evaluated: 2025-01-25. Review status: criteria provided, single submitter. Criteria: ACMG Guidelines, 2015. Collection method: clinical testing. Allele origin: germline.
Comment: This variant is classified as likely benign based on ACMG/AMP sequence variant interpretation guidelines (Richards et al. 2015 PMID: 25741868, with internal and published modifications).